The following is an entry in ClinVar:

ClinVar aggregate classification (germline): Uncertain significance. Review status: criteria provided, multiple submitters, no conflicts (2 of 4 stars). 2 submissions from 2 submitters: Uncertain significance (2). Last evaluated 2023-05-30.

Conditions:
Hypertrophic cardiomyopathy. Also called: HYPERTROPHIC MYOCARDIOPATHY. Identifiers: Orphanet 217569, MedGen C0007194, MeSH D002312, MONDO:0005045, HP:0001639.

Allele frequency attached by ClinVar (database versions not stated): gnomAD 0.00001; TOPMed 0.00002; ESP Exome Variant Server 0.00008.

Submissions (2):

Labcorp Genetics (formerly Invitae), Labcorp
Classification: Uncertain significance for Hypertrophic cardiomyopathy. Last evaluated: 2023-05-30. Review status: criteria provided, single submitter. Criteria: Invitae Variant Classification Sherloc (09022015). Collection method: clinical testing. Allele origin: germline.
Comment: In summary, the available evidence is currently insufficient to determine the role of this variant in disease. Therefore, it has been classified as a Variant of Uncertain Significance. Advanced modeling of protein sequence and biophysical properties (such as structural, functional, and spatial information, amino acid conservation, physicochemical variation, residue mobility, and thermodynamic stability) performed at Invitae indicates that this missense variant is not expected to disrupt MYOM1 protein function. ClinVar contains an entry for this variant (Variation ID: 1054495). This variant has not been reported in the literature in individuals affected with MYOM1-related conditions. This variant is present in population databases (rs370829334, gnomAD 0.007%). This sequence change replaces alanine, which is neutral and non-polar, with threonine, which is neutral and polar, at codon 1024 of the MYOM1 protein (p.Ala1024Thr).

Ambry Genetics
Classification: Uncertain significance. Last evaluated: 2021-12-29. Review status: criteria provided, single submitter. Criteria: Ambry Variant Classification Scheme 2023. Collection method: clinical testing. Allele origin: germline.
Comment: The p.A1024T variant (also known as c.3070G>A), located in coding exon 19 of the MYOM1 gene, results from a G to A substitution at nucleotide position 3070. The alanine at codon 1024 is replaced by threonine, an amino acid with similar properties. This amino acid position is conserved. In addition, this alteration is predicted to be tolerated by in silico analysis. Since supporting evidence is limited at this time, the clinical significance of this alteration remains unclear.

NM_003803.4(MYOM1):c.3070G>A (p.Ala1024Thr)

Gene: MYOM1 (myomesin 1; minus strand). Cytogenetic location: 18p11.31.
Variant type: single nucleotide variant.
Coding change: c.3070G>A on transcript NM_003803.4 (MANE Select); coding-DNA position 3070, G replaced by A.
Protein change: p.Ala1024Thr; replaces alanine 1024 with threonine.
Molecular consequence: missense variant.
Genome position (GRCh38, 1-based): chr18:3,119,917, C>T on the plus strand (G>A on the coding strand, the complement: MYOM1 is on the minus strand). VCF-style: chr18-3119917-C-T. GRCh37 (hg19) VCF-style: chr18-3119915-C-T.
Other names: c.2782G>A, p.Ala928Thr (NM_019856.2); c.3070G>A (NM_003803.3); short protein forms A1024T, A928T.
Identifiers: ClinVar variation 1054495 (VCV001054495.10), dbSNP rs370829334, ClinGen allele CA8874433.
Genomic context (GRCh38, chr18:3,119,917, plus strand): 5'-TCTGTGGTTTACCTGGGACGGCGATGGTCCACTCTTCACATTTGAAGCATTCGCTTACTG[C>T]GGAGGGCGCGCCCAGCCCAGCCATGTTCATGGCTGCCACTTGGAACTGATACACCATGTT-3'
Protein context (NP_003794.3, residues 1014-1034): MNMAGLGAPS[Ala1024Thr]VSECFKCEEW